The following is an entry in ClinVar:

ClinVar aggregate classification (germline): Likely pathogenic (1 of 4 stars; one submission).

Conditions:
Fetal anomalies with a likely genetic cause.

gnomAD v4.1: 4 of 1,611,822 alleles (0.00025%); highest among the groups gnomAD compares: Non-Finnish European, 0.00034%; no homozygotes.

Submission:

Genetics Laboratory, Great Ormond Street Hospital NHS Foundation Trust, North Thames Genomic Laboratory Hub
Classification: Likely pathogenic for Fetal anomalies with a likely genetic cause. Last evaluated: 2026-03-20. Review status: criteria provided, single submitter. Criteria: ACGS Best Practice Guidelines for Variant Classification in Rare Disease 2024 v1.2. Collection method: clinical testing. Allele origin: germline. Affected: yes.
Comment: PM2_moderate, PP3_supporting, PM3_moderate, PP4_supporting

NM_001286577.2(C2CD3):c.2561C>T (p.Pro854Leu)

Gene: C2CD3 (C2 domain containing 3 centriole elongation regulator; minus strand). Cytogenetic location: 11q13.4.
Variant type: single nucleotide variant.
Coding change: c.2561C>T on transcript NM_001286577.2 (MANE Select); coding-DNA position 2561, C replaced by T.
Protein change: p.Pro854Leu; replaces proline 854 with leucine.
Molecular consequence: missense variant.
Genome position (GRCh38, 1-based): chr11:74,103,150, G>A on the plus strand (C>T on the coding strand, the complement: C2CD3 is on the minus strand). VCF-style: chr11-74103150-G-A. GRCh37 (hg19) VCF-style: chr11-73814195-G-A.
Other names: c.2561C>T, p.Pro854Leu (NM_015531.6); short protein forms P854L.
Identifiers: ClinVar variation 4850925 (VCV004850925.1).